The following is an entry in ClinVar:

ClinVar aggregate classification (germline): Pathogenic (1 of 4 stars; one submission).

Conditions:
Osteogenesis imperfecta type I (OI1). Also called: Lobstein's Disease; Lobstein disease; Classic Non-deforming Osteogenesis Imperfecta with Blue Sclerae; OI, TYPE I; OSTEOGENESIS IMPERFECTA TARDA; OSTEOGENESIS IMPERFECTA WITH BLUE SCLERAE. Identifiers: Orphanet 216796, Orphanet 666, MedGen C0023931, MONDO:0008146, OMIM 166200. Disease mechanism: loss of function.

Submission:

Labcorp Genetics (formerly Invitae), Labcorp
Classification: Pathogenic for Osteogenesis imperfecta type I. Last evaluated: 2024-02-05. Review status: criteria provided, single submitter. Criteria: Invitae Variant Classification Sherloc (09022015). Collection method: clinical testing. Allele origin: germline.
Comment: This sequence change creates a premature translational stop signal (p.Cys1299Alafs*32) in the COL1A1 gene. It is expected to result in an absent or disrupted protein product. Loss-of-function variants in COL1A1 are known to be pathogenic (PMID: 7942841, 9295084, 9443882). This variant is not present in population databases (gnomAD no frequency). This variant has not been reported in the literature in individuals affected with COL1A1-related conditions. For these reasons, this variant has been classified as Pathogenic.

Literature cited by the submitters: PubMed 7942841; PubMed 9295084; PubMed 9443882.

NM_000088.4(COL1A1):c.3894del (p.Cys1299fs)

Gene: COL1A1 (collagen type I alpha 1 chain; minus strand). Cytogenetic location: 17q21.33.
Variant type: Deletion.
Coding change: c.3894del on transcript NM_000088.4 (MANE Select); coding-DNA position 3894, one base deleted (C; older notation c.3894delC).
Protein change: p.Cys1299fs; shifts the reading frame from cysteine 1299.
Molecular consequence: frameshift variant.
Genome position (GRCh38, 1-based): chr17:50,186,428, G deleted on the plus strand (C on the coding strand, the reverse complement: COL1A1 is on the minus strand); the first of 2 consecutive G bases (chr17:50,186,428-50,186,429); deleting either gives the same sequence. VCF-style (leftmost placement, unchanged base first): chr17-50186427-AG-A. GRCh37 (hg19) VCF-style: chr17-48263788-AG-A.
Other names: short protein forms C1299fs.
Identifiers: ClinVar variation 3638893 (VCV003638893.2).